The following is an entry in ClinVar:

ClinVar aggregate classification (germline): Pathogenic (1 of 4 stars; one submission).

Submission:

Labcorp Genetics (formerly Invitae), Labcorp
Classification: Pathogenic. Last evaluated: 2020-12-04. Review status: criteria provided, single submitter. Criteria: Invitae Variant Classification Sherloc (09022015). Collection method: clinical testing. Allele origin: germline.
Comment: For these reasons, this variant has been classified as Pathogenic. This variant has not been reported in the literature in individuals with CHM-related conditions. This variant is not present in population databases (ExAC no frequency). This sequence change creates a premature translational stop signal (p.Leu235Argfs*8) in the CHM gene. It is expected to result in an absent or disrupted protein product. Loss-of-function variants in CHM are known to be pathogenic (PMID: 9067750, 23811034).

Literature cited by the submitters: PubMed 9067750; PubMed 23811034.

NM_000390.4(CHM):c.704del (p.Leu235fs)

Gene: CHM (CHM Rab escort protein; minus strand). Cytogenetic location: Xq21.2.
Variant type: Deletion.
Coding change: c.704del on transcript NM_000390.4 (MANE Select); coding-DNA position 704, one base deleted (T; older notation c.704delT).
Protein change: p.Leu235fs; shifts the reading frame from leucine 235.
Molecular consequence: frameshift variant.
Genome position (GRCh38, 1-based): chrX:85,958,976, A deleted on the plus strand (T on the coding strand, the reverse complement: CHM is on the minus strand). VCF-style (leftmost placement, unchanged base first): chrX-85958975-CA-C. GRCh37 (hg19) VCF-style: chrX-85213980-CA-C.
Other names: c.260del, p.Leu87fs (NM_001320959.1, NM_001362517.1, NM_001362518.2 and 1 more transcripts); short protein forms L235fs, L87fs.
Identifiers: ClinVar variation 1452327 (VCV001452327.6), dbSNP rs2147667658, ClinGen allele CA2573159648.